The following is an entry in ClinVar:

ClinVar aggregate classification (germline): Uncertain significance. Review status: criteria provided, multiple submitters, no conflicts (2 of 4 stars). 2 submissions from 2 submitters: Uncertain significance (2). Last evaluated 2025-06-23.

Conditions:
Acute myeloid leukemia (AML). Also called: Acute myeloid leukemia, adult; AML adult; Acute non-lymphocytic leukemia; Acute granulocytic leukemia; Leukemia, acute myeloid, somatic; Leukemia, acute myelogenous, somatic. Identifiers: Orphanet 519, MedGen C0023467, MeSH D015470, MONDO:0018874, OMIM 601626, HP:0004808. Disease mechanism: Constitutively activated FLT3.
Inborn genetic diseases. Identifiers: MedGen C0950123, MeSH D030342.

Allele frequency attached by ClinVar (database versions not stated): TOPMed below 0.00001; gnomAD 0.00001; gnomAD exomes 0.00001.

Submissions (2):

Ambry Genetics
Classification: Uncertain significance for Inborn genetic diseases. Last evaluated: 2025-06-23. Review status: criteria provided, single submitter. Criteria: Ambry Variant Classification Scheme 2023. Collection method: clinical testing. Allele origin: germline.
Comment: The p.M218I variant (also known as c.654G>A), located in coding exon 1 of the CEBPA gene, results from a G to A substitution at nucleotide position 654. The methionine at codon 218 is replaced by isoleucine, an amino acid with highly similar properties. This amino acid position is conserved. In addition, this alteration is predicted to be tolerated by in silico analysis. Based on the available evidence, the clinical significance of this variant remains unclear.

Labcorp Genetics (formerly Invitae), Labcorp
Classification: Uncertain significance for Acute myeloid leukemia. Last evaluated: 2025-02-07. Review status: criteria provided, single submitter. Criteria: Invitae Variant Classification Sherloc (09022015). Collection method: clinical testing. Allele origin: germline.
Comment: This sequence change replaces methionine, which is neutral and non-polar, with isoleucine, which is neutral and non-polar, at codon 218 of the CEBPA protein (p.Met218Ile). The frequency data for this variant in the population databases is considered unreliable, as metrics indicate insufficient coverage at this position in the gnomAD database. This variant has not been reported in the literature in individuals affected with CEBPA-related conditions. ClinVar contains an entry for this variant (Variation ID: 2178804). Invitae Evidence Modeling of protein sequence and biophysical properties (such as structural, functional, and spatial information, amino acid conservation, physicochemical variation, residue mobility, and thermodynamic stability) indicates that this missense variant is not expected to disrupt CEBPA protein function with a negative predictive value of 80%. In summary, the available evidence is currently insufficient to determine the role of this variant in disease. Therefore, it has been classified as a Variant of Uncertain Significance.

NM_004364.5(CEBPA):c.654G>A (p.Met218Ile)

Gene: CEBPA (CCAAT enhancer binding protein alpha; minus strand). Cytogenetic location: 19q13.11.
Variant type: single nucleotide variant.
Coding change: c.654G>A on transcript NM_004364.5 (MANE Select); coding-DNA position 654, G replaced by A.
Protein change: p.Met218Ile; replaces methionine 218 with isoleucine.
Molecular consequence: missense variant.
Genome position (GRCh38, 1-based): chr19:33,301,761, C>T on the plus strand (G>A on the coding strand, the complement: CEBPA is on the minus strand). VCF-style: chr19-33301761-C-T. GRCh37 (hg19) VCF-style: chr19-33792667-C-T.
Other names: c.297G>A, p.Met99Ile (NM_001285829.2); c.759G>A, p.Met253Ile (NM_001287424.2); c.612G>A, p.Met204Ile (NM_001287435.2); short protein forms M218I, M253I, M204I, M99I.
Identifiers: ClinVar variation 2178804 (VCV002178804.5), dbSNP rs1555742071, ClinGen allele CA405274486.